The following is an entry in ClinVar:

NM_032806.6(POMGNT2):c.1313G>T (p.Arg438Leu)

Gene: POMGNT2 (protein O-linked mannose N-acetylglucosaminyltransferase 2 (beta 1,4-); minus strand). Cytogenetic location: 3p22.1.
Variant type: single nucleotide variant.
Coding change: c.1313G>T on transcript NM_032806.6 (MANE Select); coding-DNA position 1313, G replaced by T.
Protein change: p.Arg438Leu; replaces arginine 438 with leucine.
Molecular consequence: missense variant.
Genome position (GRCh38, 1-based): chr3:43,080,119, C>A on the plus strand (G>T on the coding strand, the complement: POMGNT2 is on the minus strand). VCF-style: chr3-43080119-C-A. GRCh37 (hg19) VCF-style: chr3-43121611-C-A.
Other names: short protein forms R438L.
Identifiers: ClinVar variation 1015540 (VCV001015540.3), dbSNP rs371405205, ClinGen allele CA2339876.

ClinVar aggregate classification (germline): Uncertain significance (1 of 4 stars; one submission).

Conditions:
Muscular dystrophy-dystroglycanopathy (congenital with brain and eye anomalies), type a, 8 (MDDGA8). Also called: WALKER-WARBURG SYNDROME OR MUSCLE-EYE-BRAIN DISEASE, GTDC2-RELATED. Identifiers: Orphanet 899, MedGen C3553813, MONDO:0013904, OMIM 614830.

Allele frequency attached by ClinVar (database versions not stated): TOPMed 0.00001.
gnomAD v4.1: 3 of 1,613,758 alleles (0.00019%); highest among the groups gnomAD compares: Admixed American, 0.0033%; no homozygotes.

Submission:

Labcorp Genetics (formerly Invitae), Labcorp
Classification: Uncertain significance for Muscular dystrophy-dystroglycanopathy (congenital with brain and eye anomalies), type a, 8. Last evaluated: 2020-02-14. Review status: criteria provided, single submitter. Criteria: Invitae Variant Classification Sherloc (09022015). Collection method: clinical testing. Allele origin: germline.
Comment: In summary, the available evidence is currently insufficient to determine the role of this variant in disease. Therefore, it has been classified as a Variant of Uncertain Significance. Algorithms developed to predict the effect of missense changes on protein structure and function are either unavailable or do not agree on the potential impact of this missense change (SIFT: "Deleterious"; PolyPhen-2: "Probably Damaging"; Align-GVGD: "Class C0"). This variant has not been reported in the literature in individuals with POMGNT2-related conditions. This variant is present in population databases (rs371405205, ExAC 0.009%). This sequence change replaces arginine with leucine at codon 438 of the POMGNT2 protein (p.Arg438Leu). The arginine residue is highly conserved and there is a moderate physicochemical difference between arginine and leucine.